The following is an entry in ClinVar:

NM_000256.3(MYBPC3):c.1091-3C>T

Gene: MYBPC3 (myosin binding protein C3; minus strand). Cytogenetic location: 11p11.2.
Variant type: single nucleotide variant.
Coding change: c.1091-3C>T on transcript NM_000256.3 (MANE Select); 3 bases into the intron before coding-DNA position 1091, C replaced by T.
Molecular consequence: intron variant.
Genome position (GRCh38, 1-based): chr11:47,343,627, G>A on the plus strand (C>T on the coding strand, the complement: MYBPC3 is on the minus strand). VCF-style: chr11-47343627-G-A. GRCh37 (hg19) VCF-style: chr11-47365178-G-A.
Identifiers: ClinVar variation 4807983 (VCV004807983.1).

ClinVar aggregate classification (germline): Uncertain significance (1 of 4 stars; one submission).

Conditions:
Hypertrophic cardiomyopathy. Also called: HYPERTROPHIC MYOCARDIOPATHY. Identifiers: Orphanet 217569, MedGen C0007194, MeSH D002312, MONDO:0005045, HP:0001639.

Submission:

Labcorp Genetics (formerly Invitae), Labcorp
Classification: Uncertain significance for Hypertrophic cardiomyopathy. Last evaluated: 2025-05-07. Review status: criteria provided, single submitter. Criteria: Invitae Variant Classification Sherloc (09022015). Collection method: clinical testing. Allele origin: germline.
Comment: This sequence change falls in intron 12 of the MYBPC3 gene. It does not directly change the encoded amino acid sequence of the MYBPC3 protein. It affects a nucleotide within the consensus splice site. This variant is not present in population databases (gnomAD no frequency). This variant has not been reported in the literature in individuals affected with MYBPC3-related conditions. Variants that disrupt the consensus splice site are a relatively common cause of aberrant splicing (PMID: 17576681, 9536098). Algorithms developed to predict the effect of sequence changes on RNA splicing suggest that this variant is not likely to affect RNA splicing. In summary, the available evidence is currently insufficient to determine the role of this variant in disease. Therefore, it has been classified as a Variant of Uncertain Significance.

Literature cited by the submitters: PubMed 17576681; PubMed 9536098.